The following is an entry in ClinVar:

NM_001393997.1(CCAR2):c.927+38G>C

Gene: CCAR2 (cell cycle and apoptosis regulator 2; plus strand). Cytogenetic location: 8p21.3.
Variant type: single nucleotide variant.
Coding change: c.927+38G>C on transcript NM_001393997.1 (MANE Select); 38 bases into the intron after coding-DNA position 927, G replaced by C.
Molecular consequence: intron variant.
Genome position (GRCh38, 1-based): chr8:22,614,352, G>C. VCF-style: chr8-22614352-G-C. GRCh37 (hg19) VCF-style: chr8-22471865-G-C.
Other names: c.927+38G>C (NM_001363069.2, NM_021174.6, NM_001363068.2).
Identifiers: ClinVar variation 3828020 (VCV003828020.1).

ClinVar aggregate classification (germline): Uncertain significance (1 of 4 stars; one submission).

Submission:

Ambry Genetics
Classification: Uncertain significance. Last evaluated: 2024-12-26. Review status: criteria provided, single submitter. Criteria: Ambry Variant Classification Scheme 2023. Collection method: clinical testing. Allele origin: germline.
Comment: The c.928-38G>C intronic alteration results from a G to C substitution 38 nucleotides before coding exon 9 of the CCAR2 gene. This variant was not reported in population-based cohorts in the Genome Aggregation Database (gnomAD). This nucleotide position is well conserved in available vertebrate species. In silico splice site analysis predicts that this alteration will result in the creation or strengthening of a novel splice acceptor site. Based on insufficient or conflicting evidence, the clinical significance of this alteration remains unclear.